The following is an entry in ClinVar:

ClinVar aggregate classification (germline): Uncertain significance. Review status: criteria provided, multiple submitters, no conflicts (2 of 4 stars). 3 submissions from 3 submitters: Uncertain significance (3). Last evaluated 2024-08-19.

Conditions:
Deficiency of butyryl-CoA dehydrogenase (ACADSD). Also called: SCAD DEFICIENCY, MILD; SCAD Deficiency; ACADS DEFICIENCY; SCADH DEFICIENCY; ACYL-CoA DEHYDROGENASE, SHORT-CHAIN, DEFICIENCY OF; Short-Chain Acyl-CoA Dehydrogenase Deficiency. Identifiers: Orphanet 26792, MedGen C0342783, MONDO:0008722, OMIM 201470. Disease mechanism: May be benign.

Allele frequency attached by ClinVar (database versions not stated): gnomAD exomes 0.00002 and 0.00006; ExAC 0.00008; ESP Exome Variant Server 0.00008; 1000 Genomes Project 30x 0.00016; gnomAD 0.00017 and 0.00020; 1000 Genomes Project 0.00020; TOPMed 0.00020.
gnomAD v4.1: 49 of 1,608,518 alleles (0.003%); highest among the groups gnomAD compares: African/African-American, 0.061%; no homozygotes.

Submissions (3):

Labcorp Genetics (formerly Invitae), Labcorp
Classification: Uncertain significance for Deficiency of butyryl-CoA dehydrogenase. Last evaluated: 2024-08-19. Review status: criteria provided, single submitter. Criteria: Invitae Variant Classification Sherloc (09022015). Collection method: clinical testing. Allele origin: germline.
Comment: This sequence change falls in intron 6 of the ACADS gene. It does not directly change the encoded amino acid sequence of the ACADS protein. It affects a nucleotide within the consensus splice site. This variant is present in population databases (rs376682235, gnomAD 0.08%). This variant has not been reported in the literature in individuals affected with ACADS-related conditions. ClinVar contains an entry for this variant (Variation ID: 838759). Variants that disrupt the consensus splice site are a relatively common cause of aberrant splicing (PMID: 17576681, 9536098). Algorithms developed to predict the effect of sequence changes on RNA splicing suggest that this variant is not likely to affect RNA splicing. In summary, the available evidence is currently insufficient to determine the role of this variant in disease. Therefore, it has been classified as a Variant of Uncertain Significance.

Greenwood Genetic Center Diagnostic Laboratories, Greenwood Genetic Center
Classification: Uncertain significance. Last evaluated: 2024-05-22. Review status: criteria provided, single submitter. Criteria: ACMG Guidelines, 2015. Collection method: clinical testing. Allele origin: germline. Affected: yes.
Comment: PM2, PM3_Supporting, BP4

Mayo Clinic Laboratories, Mayo Clinic
Classification: Uncertain significance. Last evaluated: 2021-10-06. Review status: criteria provided, single submitter. Criteria: ACMG Guidelines, 2015. Collection method: clinical testing. Allele origin: germline.

Literature cited by the submitters: PubMed 17576681 (cited by Labcorp Genetics (formerly Invitae), Labcorp); PubMed 9536098 (cited by Labcorp Genetics (formerly Invitae), Labcorp).

NM_000017.4(ACADS):c.795+6C>T

Gene: ACADS (acyl-CoA dehydrogenase short chain; plus strand). Cytogenetic location: 12q24.31.
Variant type: single nucleotide variant.
Coding change: c.795+6C>T on transcript NM_000017.4 (MANE Select); 6 bases into the intron after coding-DNA position 795, C replaced by T.
Molecular consequence: intron variant.
Genome position (GRCh38, 1-based): chr12:120,738,456, C>T. VCF-style: chr12-120738456-C-T. GRCh37 (hg19) VCF-style: chr12-121176259-C-T.
Other names: c.783+6C>T (NM_001302554.2).
Identifiers: ClinVar variation 838759 (VCV000838759.13), dbSNP rs376682235, ClinGen allele CA6831054.